The following is an entry in ClinVar:

NM_205861.3(DHDDS):c.20G>A (p.Gly7Glu)

Gene: DHDDS (dehydrodolichyl diphosphate synthase subunit; plus strand). Cytogenetic location: 1p36.11.
Variant type: single nucleotide variant.
Coding change: c.20G>A on transcript NM_205861.3 (MANE Select); coding-DNA position 20, G replaced by A.
Protein change: p.Gly7Glu; replaces glycine 7 with glutamic acid.
Molecular consequence: missense variant. On other transcripts: 5 prime UTR variant (1).
Genome position (GRCh38, 1-based): chr1:26,432,965, G>A. VCF-style: chr1-26432965-G-A. GRCh37 (hg19) VCF-style: chr1-26759456-G-A.
Other names: c.20G>A, p.Gly7Glu (NM_001243564.2, NM_001243565.2, NM_024887.4); c.-283G>A (NM_001319959.2); short protein forms G7E.
Identifiers: ClinVar variation 1006648 (VCV001006648.8), dbSNP rs2075118494, ClinGen allele CA339137034.

ClinVar aggregate classification (germline): Uncertain significance (1 of 4 stars; one submission).

Conditions:
Retinitis pigmentosa 59 (RP59). Identifiers: Orphanet 791, MedGen C3151227, MONDO:0013468, OMIM 613861.

Allele frequency attached by ClinVar (database versions not stated): gnomAD exomes below 0.00001.
gnomAD v4.1: 3 of 1,614,216 alleles (0.00019%); highest among the groups gnomAD compares: Non-Finnish European, 0.00025%; no homozygotes.

Submission:

Labcorp Genetics (formerly Invitae), Labcorp
Classification: Uncertain significance for Retinitis pigmentosa 59. Last evaluated: 2020-05-08. Review status: criteria provided, single submitter. Criteria: Invitae Variant Classification Sherloc (09022015). Collection method: clinical testing. Allele origin: germline.
Comment: This sequence change replaces glycine with glutamic acid at codon 7 of the DHDDS protein (p.Gly7Glu). The glycine residue is moderately conserved and there is a moderate physicochemical difference between glycine and glutamic acid. In summary, the available evidence is currently insufficient to determine the role of this variant in disease. Therefore, it has been classified as a Variant of Uncertain Significance. Algorithms developed to predict the effect of missense changes on protein structure and function (SIFT, PolyPhen-2, Align-GVGD) all suggest that this variant is likely to be tolerated, but these predictions have not been confirmed by published functional studies and their clinical significance is uncertain. This variant has not been reported in the literature in individuals with DHDDS-related conditions. This variant is not present in population databases (ExAC no frequency).